The following is an entry in ClinVar:

ClinVar aggregate classification (germline): Uncertain significance (1 of 4 stars; one submission).

Allele frequency attached by ClinVar (database versions not stated): ExAC 0.00001; gnomAD 0.00001.
gnomAD v4.1: 17 of 1,614,094 alleles (0.0011%); highest among the groups gnomAD compares: Middle Eastern, 0.033%; no homozygotes.

Submission:

Labcorp Genetics (formerly Invitae), Labcorp
Classification: Uncertain significance. Last evaluated: 2026-01-10. Review status: criteria provided, single submitter. Criteria: Invitae Variant Classification Sherloc (09022015). Collection method: clinical testing. Allele origin: germline.
Comment: This sequence change replaces arginine, which is basic and polar, with histidine, which is basic and polar, at codon 1273 of the ASXL1 protein (p.Arg1273His). This variant is present in population databases (rs762720533, gnomAD 0.003%). This variant has not been reported in the literature in individuals affected with ASXL1-related conditions. ClinVar contains an entry for this variant (Variation ID: 1902197). An algorithm developed to predict the effect of missense changes on protein structure and function (PolyPhen-2) suggests that this variant is likely to be tolerated. In summary, the available evidence is currently insufficient to determine the role of this variant in disease. Therefore, it has been classified as a Variant of Uncertain Significance.

NM_015338.6(ASXL1):c.3818G>A (p.Arg1273His)

Gene: ASXL1 (ASXL transcriptional regulator 1; plus strand). Cytogenetic location: 20q11.21.
Variant type: single nucleotide variant.
Coding change: c.3818G>A on transcript NM_015338.6 (MANE Select); coding-DNA position 3818, G replaced by A.
Protein change: p.Arg1273His; replaces arginine 1273 with histidine.
Molecular consequence: missense variant.
Genome position (GRCh38, 1-based): chr20:32,436,530, G>A. VCF-style: chr20-32436530-G-A. GRCh37 (hg19) VCF-style: chr20-31024333-G-A.
Other names: c.3635G>A, p.Arg1212His (NM_001363734.1); short protein forms R1212H, R1273H.
Identifiers: ClinVar variation 1902197 (VCV001902197.5), dbSNP rs762720533, ClinGen allele CA9808912.